The following is an entry in ClinVar:

ClinVar aggregate classification (germline): Uncertain significance (1 of 4 stars; one submission).

Conditions:
Atrioventricular septal defect 5 (AVSD5). Identifiers: MedGen C3280939, MONDO:0013769, OMIM 614474.

Submission:

Labcorp Genetics (formerly Invitae), Labcorp
Classification: Uncertain significance for Atrioventricular septal defect 5. Last evaluated: 2025-12-08. Review status: criteria provided, single submitter. Criteria: Invitae Variant Classification Sherloc (09022015). Collection method: clinical testing. Allele origin: germline.
Comment: This variant, c.734_754dup, results in the insertion of 7 amino acid(s) of the GATA6 protein (p.Gly245_Gly251dup), but otherwise preserves the integrity of the reading frame. This variant is present in population databases (no rsID available, gnomAD 0.04%). This variant has not been reported in the literature in individuals affected with GATA6-related conditions. ClinVar contains an entry for this variant (Variation ID: 1443807). Experimental studies and prediction algorithms are not available or were not evaluated, and the functional significance of this variant is currently unknown. In summary, the available evidence is currently insufficient to determine the role of this variant in disease. Therefore, it has been classified as a Variant of Uncertain Significance.

NM_005257.6(GATA6):c.734_754dup (p.Gly245_Gly251dup)

Gene: GATA6 (GATA binding protein 6; plus strand). Cytogenetic location: 18q11.2.
Variant type: Duplication.
Coding change: c.734_754dup on transcript NM_005257.6 (MANE Select); coding-DNA positions 734 to 754, 21 bases duplicated (GGGCCGCGGGGCCTGGCGGCG).
Protein change: p.Gly245_Gly251dup.
Molecular consequence: inframe insertion.
Genome position (GRCh38, 1-based): chr18:22,171,878-22,171,898, GGGCCGCGGGGCCTGGCGGCG duplicated; duplicating any 21 consecutive bases within chr18:22,171,869-22,171,898 gives the same sequence; the c. name uses the placement nearest the transcript's 3' end. VCF-style (leftmost placement, unchanged base first): chr18-22171868-G-GCTGGCGGCGGGGCCGCGGGGC. GRCh37 (hg19) VCF-style: chr18-19751829-G-GCTGGCGGCGGGGCCGCGGGGC.
Identifiers: ClinVar variation 1443807 (VCV001443807.6), dbSNP rs1316111445, ClinGen allele CA628980387.